The following is an entry in ClinVar:

ClinVar aggregate classification (germline): Pathogenic. Review status: reviewed by expert panel (3 of 4 stars). 7 submissions from 7 submitters: Pathogenic (1). 6 of the submissions do not count toward it. Last evaluated 2016-10-18.

Conditions:
Hereditary cancer-predisposing syndrome. Also called: Hereditary Cancer Syndrome; Hereditary neoplastic syndrome; Neoplastic Syndromes, Hereditary; Tumor predisposition. Identifiers: Orphanet 140162, MedGen C0027672, MeSH D009386, MONDO:0015356.
Hereditary breast ovarian cancer syndrome. Also called: BRCA1- and BRCA2-Associated Hereditary Breast and Ovarian Cancer; Hereditary breast and ovarian cancer syndrome; Hereditary breast and ovarian cancer syndrome (HBOC); Breast and ovarian cancer; Hereditary breast and/or ovarian cancer syndrome; Hereditary breast and ovarian cancer. Identifiers: Orphanet 145, MedGen C0677776, MeSH D061325, MONDO:0003582. Disease mechanism: loss of function.
Breast-ovarian cancer, familial, susceptibility to, 1 (BROVCA1). Also called: BRCA1 Hereditary Breast and Ovarian Cancer; OVARIAN CANCER, SUSCEPTIBILITY TO. Identifiers: Orphanet 145, MedGen C2676676, MONDO:0011450, OMIM 604370. Disease mechanism: loss of function.

Submissions (7):

Evidence-based Network for the Interpretation of Germline Mutant Alleles (ENIGMA)
Classification: Pathogenic for Breast-ovarian cancer, familial, susceptibility to, 1. Last evaluated: 2016-10-18. Review status: reviewed by expert panel. Criteria: ENIGMA BRCA1/2 Classification Criteria (2015). Collection method: curation. Allele origin: germline.
Comment: Variant allele predicted to encode a truncated non-functional protein.

Labcorp Genetics (formerly Invitae), Labcorp
Classification: Pathogenic for Hereditary breast ovarian cancer syndrome. Last evaluated: 2025-07-16. Review status: criteria provided, single submitter. Criteria: Invitae Variant Classification Sherloc (09022015). Collection method: clinical testing. Allele origin: germline. Not counted in ClinVar's aggregate classification.
Comment: This sequence change creates a premature translational stop signal (p.Ser1387Glufs*2) in the BRCA1 gene. It is expected to result in an absent or disrupted protein product. Loss-of-function variants in BRCA1 are known to be pathogenic (PMID: 20104584). This variant is not present in population databases (gnomAD no frequency). This variant has not been reported in the literature in individuals affected with BRCA1-related conditions. This variant is also known as 1386 delCTCTC. ClinVar contains an entry for this variant (Variation ID: 55113). For these reasons, this variant has been classified as Pathogenic.

Quest Diagnostics Nichols Institute San Juan Capistrano
Classification: Pathogenic. Last evaluated: 2024-10-07. Review status: criteria provided, single submitter. Criteria: Quest Diagnostics criteria. Collection method: clinical testing. Allele origin: unknown. Not counted in ClinVar's aggregate classification.
Comment: The BRCA1 c.4158_4162del (p.Ser1387Glufs*2) variant alters the translational reading frame of the BRCA1 mRNA and causes the premature termination of BRCA1 protein synthesis. This variant has been reported in the published literature in individuals and families with breast cancer (PMIDs: 30555256 (2018), 19656415 (2009), 14507240 (2003)), and individuals undergoing genetic testing (PMIDs: 32719484 (2020), 29446198 (2018)). In a large scale breast cancer association study, this variant has been observed in one breast cancer case and no reportedly healthy individuals (PMID: 33471991 (2021), see also LOVD). This variant has not been reported in large, multi-ethnic general populations (Genome Aggregation Database). Based on the available information, this variant is classified as pathogenic.

Ambry Genetics
Classification: Pathogenic for Hereditary cancer-predisposing syndrome. Last evaluated: 2023-03-23. Review status: criteria provided, single submitter. Criteria: Ambry Variant Classification Scheme 2023. Collection method: clinical testing. Allele origin: germline. Not counted in ClinVar's aggregate classification.
Comment: The c.4158_4162delCTCTC pathogenic mutation, located in coding exon 10 of the BRCA1 gene, results from a deletion of 5 nucleotides at nucleotide positions 4158 to 4162, causing a translational frameshift with a predicted alternate stop codon (p.S1387Efs*2). In addition to the clinical data presented in the literature, this alteration is expected to result in loss of function by premature protein truncation or nonsense-mediated mRNA decay. This variant is considered to be rare based on population cohorts in the Genome Aggregation Database (gnomAD). As such, this alteration is interpreted as a disease-causing mutation.

Color Diagnostics, LLC DBA Color Health
Classification: Pathogenic for Hereditary cancer-predisposing syndrome. Last evaluated: 2021-01-08. Review status: criteria provided, single submitter. Criteria: ACMG Guidelines, 2015. Collection method: clinical testing. Allele origin: germline. Not counted in ClinVar's aggregate classification.
Comment: This variant deletes 5 nucleotides in exon 11 of the BRCA1 gene, creating a frameshift and premature translation stop signal. This variant is expected to result in an absent or non-functional protein product. To our knowledge, functional studies have not been reported for this variant. This variant has been observed in a mother and daughter both affected with early-onset breast cancer with additional family history of breast cancer (PMID: 14507240) and in multiple suspected hereditary breast and ovarian cancer families (PMID: 29446198). This variant has not been identified in the general population by the Genome Aggregation Database (gnomAD). Loss of BRCA1 function is a known mechanism of disease. Based on the available evidence, this variant is classified as Pathogenic.

Consortium of Investigators of Modifiers of BRCA1/2 (CIMBA), c/o University of Cambridge
Classification: Pathogenic for Breast-ovarian cancer, familial, susceptibility to, 1. Last evaluated: 2015-10-02. Review status: criteria provided, single submitter. Criteria: CIMBA Mutation Classification guidelines May 2016. Collection method: clinical testing. Allele origin: germline. Not counted in ClinVar's aggregate classification.

BRCAlab, Lund University
Classification: Pathogenic for Breast-ovarian cancer, familial, susceptibility to, 1. Last evaluated: 2022-08-26. Review status: no assertion criteria provided. Collection method: clinical testing. Allele origin: germline. Affected: yes. Not counted in ClinVar's aggregate classification.

Literature cited by the submitters: PubMed 20104584 (cited by Labcorp Genetics (formerly Invitae), Labcorp); PubMed 14507240 (cited by Quest Diagnostics Nichols Institute San Juan Capistrano and Ambry Genetics); PubMed 29446198 (cited by Quest Diagnostics Nichols Institute San Juan Capistrano); PubMed 19656415 (cited by Quest Diagnostics Nichols Institute San Juan Capistrano); PubMed 33471991 (cited by Quest Diagnostics Nichols Institute San Juan Capistrano); PubMed 32719484 (cited by Quest Diagnostics Nichols Institute San Juan Capistrano); PubMed 30555256 (cited by Quest Diagnostics Nichols Institute San Juan Capistrano).

NM_007294.4(BRCA1):c.4158_4162del (p.Ser1387fs)

Gene: BRCA1 (BRCA1 DNA repair associated; minus strand). Cytogenetic location: 17q21.31.
Variant type: Deletion.
Coding change: c.4158_4162del on transcript NM_007294.4 (MANE Select); coding-DNA positions 4158 to 4162, 5 bases deleted (CTCTC; older notation c.4158_4162delCTCTC).
Protein change: p.Ser1387fs; shifts the reading frame from serine 1387.
Molecular consequence: frameshift variant. On other transcripts: non-coding transcript variant (1).
Genome position (GRCh38, 1-based): chr17:43,090,967-43,090,971, GAGAG deleted on the plus strand (CTCTC on the coding strand, the reverse complement: BRCA1 is on the minus strand); deleting any 5 consecutive bases within chr17:43,090,967-43,090,973 gives the same sequence; the c. name uses the placement nearest the transcript's 3' end. VCF-style (leftmost placement, unchanged base first): chr17-43090966-TGAGAG-T. GRCh37 (hg19) VCF-style: chr17-41242983-TGAGAG-T.
Other names: 4277del5; c.4158_4162delCTCTC (NM_007294.3); c.4153_4157delTCCTC, p.Ser1386Glufs (NM_001407636.1, NM_001407637.1, NM_001407638.1 and 22 more transcripts); c.4156_4160delTCCTC, p.Ser1387Glufs (NM_001407639.1, NM_001407640.1, NM_001407641.1 and 29 more transcripts); c.4147_4151delTCCTC, p.Ser1384Glufs (NM_001407646.1, NM_001407647.1); c.4033_4037delTCCTC, p.Ser1346Glufs (NM_001407648.1, NM_001407664.1, NM_001407665.1 and 19 more transcripts); c.4030_4034delTCCTC, p.Ser1345Glufs (NM_001407649.1, NM_001407670.1, NM_001407671.1 and 11 more transcripts); c.4078_4082delTCCTC, p.Ser1361Glufs (NM_001407653.1, NM_001407654.1, NM_001407655.1 and 4 more transcripts); and 46 more; short protein forms S284fs, S1387fs, S1340fs.
Identifiers: ClinVar variation 55113 (VCV000055113.39), dbSNP rs397509142, ClinGen allele CA002659.